The following is an entry in ClinVar:

ClinVar aggregate classification (germline): Conflicting classifications of pathogenicity. Review status: criteria provided, conflicting classifications (1 of 4 stars). 6 submissions from 6 submitters: Uncertain significance (1); Likely benign (5). Last evaluated 2025-08-28.

Conditions:
Inborn genetic diseases. Identifiers: MedGen C0950123, MeSH D030342.
Wilson disease (WND). Also called: Wilson's disease. Identifiers: Orphanet 905, MedGen C0019202, MONDO:0010200, OMIM 277900. Disease mechanism: loss of function.

Allele frequency attached by ClinVar (database versions not stated): ExAC 0.00001.
gnomAD v4.1: 20 of 1,614,066 alleles (0.0012%); highest among the groups gnomAD compares: Non-Finnish European, 0.0017%; no homozygotes.

Submissions (6):

Ambry Genetics
Classification: Likely benign for Inborn genetic diseases. Last evaluated: 2025-08-28. Review status: criteria provided, single submitter. Criteria: Ambry Variant Classification Scheme 2023. Collection method: clinical testing. Allele origin: germline.

Labcorp Genetics (formerly Invitae), Labcorp
Classification: Likely benign for Wilson disease. Last evaluated: 2025-03-06. Review status: criteria provided, single submitter. Criteria: Invitae Variant Classification Sherloc (09022015). Collection method: clinical testing. Allele origin: germline.

All of Us Research Program, National Institutes of Health
Classification: Likely benign for Wilson disease. Last evaluated: 2023-06-28. Review status: criteria provided, single submitter. Criteria: ACMG Guidelines, 2015. Collection method: clinical testing. Allele origin: germline. Inheritance: Autosomal recessive inheritance. Observed: 3 variant alleles, 3 heterozygotes.
Comment: This study involves interpretation of variants in research participants for the purpose of population health screening. Participant phenotype was not available at the time of variant classification. Additional details can be found in publication PMID: 35346344, PMCID: PMC8962531

Color Diagnostics, LLC DBA Color Health
Classification: Likely benign for Wilson disease. Last evaluated: 2022-04-28. Review status: criteria provided, single submitter. Criteria: ACMG Guidelines, 2015. Collection method: clinical testing. Allele origin: germline.

Genome-Nilou Lab
Classification: Likely benign for Wilson disease. Last evaluated: 2021-08-10. Review status: criteria provided, single submitter. Criteria: ACMG Guidelines, 2015. Collection method: clinical testing. Allele origin: germline. Affected: no.

Illumina Laboratory Services, Illumina
Classification: Uncertain significance for Wilson disease. Last evaluated: 2017-11-20. Review status: criteria provided, single submitter. Criteria: ICSL Variant Classification Criteria 13 December 2019. Collection method: clinical testing. Allele origin: germline.

NM_000053.4(ATP7B):c.2286A>T (p.Thr762=)

Gene: ATP7B (ATPase copper transporting beta; minus strand). Cytogenetic location: 13q14.3.
Variant type: single nucleotide variant.
Coding change: c.2286A>T on transcript NM_000053.4 (MANE Select); coding-DNA position 2286, A replaced by T.
Protein change: p.Thr762=; no amino-acid change (threonine 762 retained).
Molecular consequence: synonymous variant. On other transcripts: intron variant (2).
Genome position (GRCh38, 1-based): chr13:51,958,380, T>A on the plus strand (A>T on the coding strand, the complement: ATP7B is on the minus strand). VCF-style: chr13-51958380-T-A. GRCh37 (hg19) VCF-style: chr13-52532516-T-A.
Other names: c.1953A>T, p.Thr651= (NM_001243182.2); c.2034A>T, p.Thr678= (NM_001330579.2); c.1870-773A>T (NM_001005918.3); c.2122-773A>T (NM_001330578.2).
Identifiers: ClinVar variation 740352 (VCV000740352.17), dbSNP rs750477816, ClinGen allele CA6989072.